The following is an entry in ClinVar:

NM_000051.4(ATM):c.3676G>A (p.Asp1226Asn)

Gene: ATM (ATM serine/threonine kinase; plus strand). Cytogenetic location: 11q22.3.
Variant type: single nucleotide variant.
Coding change: c.3676G>A on transcript NM_000051.4 (MANE Select); coding-DNA position 3676, G replaced by A.
Protein change: p.Asp1226Asn; replaces aspartic acid 1226 with asparagine.
Molecular consequence: missense variant.
Genome position (GRCh38, 1-based): chr11:108,282,809, G>A. VCF-style: chr11-108282809-G-A. GRCh37 (hg19) VCF-style: chr11-108153536-G-A.
Other names: c.3676G>A, p.Asp1226Asn (NM_001351834.2); short protein forms D1226N.
Identifiers: ClinVar variation 2746865 (VCV002746865.3), dbSNP rs370974808, ClinGen allele CA382523247.

ClinVar aggregate classification (germline): Uncertain significance (1 of 4 stars; one submission).

Conditions:
Ataxia-telangiectasia syndrome (AT). Also called: AT, COMPLEMENTATION GROUP C; Ataxia-telangiectasia, complementation group D; ATAXIA-TELANGIECTASIA, COMPLEMENTATION GROUP A; ATAXIA-TELANGIECTASIA, FRESNO VARIANT; Ataxia-telangiectasia; Ataxia telangiectasia (A-T). Identifiers: Orphanet 100, MedGen C0004135, MONDO:0008840, OMIM 208900.

Submission:

Labcorp Genetics (formerly Invitae), Labcorp
Classification: Uncertain significance for Ataxia-telangiectasia syndrome. Last evaluated: 2023-07-25. Review status: criteria provided, single submitter. Criteria: Invitae Variant Classification Sherloc (09022015). Collection method: clinical testing. Allele origin: germline.
Comment: This sequence change replaces aspartic acid, which is acidic and polar, with asparagine, which is neutral and polar, at codon 1226 of the ATM protein (p.Asp1226Asn). This variant is not present in population databases (gnomAD no frequency). This variant has not been reported in the literature in individuals affected with ATM-related conditions. Algorithms developed to predict the effect of missense changes on protein structure and function output the following: SIFT: "Not Available"; PolyPhen-2: "Benign"; Align-GVGD: "Not Available". The asparagine amino acid residue is found in multiple mammalian species, which suggests that this missense change does not adversely affect protein function. In summary, the available evidence is currently insufficient to determine the role of this variant in disease. Therefore, it has been classified as a Variant of Uncertain Significance.